The following is an entry in ClinVar:

NM_015425.6(POLR1A):c.2688G>C (p.Met896Ile)

Gene: POLR1A (RNA polymerase I subunit A; minus strand). Cytogenetic location: 2p11.2.
Variant type: single nucleotide variant.
Coding change: c.2688G>C on transcript NM_015425.6 (MANE Select); coding-DNA position 2688, G replaced by C.
Protein change: p.Met896Ile; replaces methionine 896 with isoleucine.
Molecular consequence: missense variant.
Genome position (GRCh38, 1-based): chr2:86,047,210, C>G on the plus strand (G>C on the coding strand, the complement: POLR1A is on the minus strand). VCF-style: chr2-86047210-C-G. GRCh37 (hg19) VCF-style: chr2-86274333-C-G.
Other names: short protein forms M896I.
Identifiers: ClinVar variation 1717612 (VCV001717612.5), dbSNP rs746010333, ClinGen allele CA347539782.
Genomic context (GRCh38, chr2:86,047,210, plus strand): 5'-CGCCTCTGCACATACCTGCATCGTGTTCACAGTTGAACCTTTGGCTCCCGACTGCACCAT[C>G]ATCTGCAGGCTGTTCTCTGGGAACTGTCTGTGTAGGCCAAAAGGCATGCATGCCTGCAGA-3'
Protein context (NP_056240.2, residues 886-906): HRQFPENSLQ[Met896Ile]MVQSGAKGST

ClinVar aggregate classification (germline): Uncertain significance (1 of 4 stars; one submission).

Submission:

Labcorp Genetics (formerly Invitae), Labcorp
Classification: Uncertain significance. Last evaluated: 2024-07-22. Review status: criteria provided, single submitter. Criteria: Invitae Variant Classification Sherloc (09022015). Collection method: clinical testing. Allele origin: germline.
Comment: This sequence change replaces methionine, which is neutral and non-polar, with isoleucine, which is neutral and non-polar, at codon 896 of the POLR1A protein (p.Met896Ile). This variant is not present in population databases (gnomAD no frequency). This variant has not been reported in the literature in individuals affected with POLR1A-related conditions. ClinVar contains an entry for this variant (Variation ID: 1717612). Advanced modeling of protein sequence and biophysical properties (such as structural, functional, and spatial information, amino acid conservation, physicochemical variation, residue mobility, and thermodynamic stability) performed at Invitae indicates that this missense variant is expected to disrupt POLR1A protein function with a positive predictive value of 80%. In summary, the available evidence is currently insufficient to determine the role of this variant in disease. Therefore, it has been classified as a Variant of Uncertain Significance.